The following is an entry in ClinVar:

NM_145199.3(LIPT1):c.319dup (p.Tyr107fs)

Genes: MITD1 (microtubule interacting and trafficking domain containing 1; minus strand), LIPT1 (lipoyltransferase 1; plus strand). Cytogenetic location: 2q11.2.
Variant type: Duplication.
Coding change: c.319dup on transcript NM_145199.3 (MANE Select); coding-DNA position 319, one base duplicated (T; older notation c.319dupT).
Protein change: p.Tyr107fs; shifts the reading frame from tyrosine 107.
Molecular consequence: frameshift variant. On other transcripts: non-coding transcript variant (2).
Genome position (GRCh38, 1-based): chr2:99,162,276, T duplicated. VCF-style (leftmost placement, unchanged base first): chr2-99162275-C-CT. GRCh37 (hg19) VCF-style: chr2-99778738-C-CT.
Other names: c.319dup, p.Tyr107fs (NM_001204830.2, NM_015929.4, NM_145197.3 and 1 more transcripts); short protein forms Y107fs.
Identifiers: ClinVar variation 1998068 (VCV001998068.4), dbSNP rs2468662028, ClinGen allele CA2580068356.

ClinVar aggregate classification (germline): Uncertain significance (1 of 4 stars; one submission).

Submission:

Labcorp Genetics (formerly Invitae), Labcorp
Classification: Uncertain significance. Last evaluated: 2022-08-16. Review status: criteria provided, single submitter. Criteria: Invitae Variant Classification Sherloc (09022015). Collection method: clinical testing. Allele origin: germline.
Comment: In summary, the available evidence is currently insufficient to determine the role of this variant in disease. Therefore, it has been classified as a Variant of Uncertain Significance. Experimental studies and prediction algorithms are not available or were not evaluated, and the functional significance of this variant is currently unknown. This variant has not been reported in the literature in individuals affected with LIPT1-related conditions. This variant is not present in population databases (gnomAD no frequency). This sequence change creates a premature translational stop signal (p.Tyr107Leufs*3) in the LIPT1 gene. While this is not anticipated to result in nonsense mediated decay, it is expected to disrupt the last 267 amino acid(s) of the LIPT1 protein.